The following is an entry in ClinVar:

ClinVar aggregate classification (germline): Uncertain significance (1 of 4 stars; one submission).

Submission:

Labcorp Genetics (formerly Invitae), Labcorp
Classification: Uncertain significance. Last evaluated: 2022-09-27. Review status: criteria provided, single submitter. Criteria: Invitae Variant Classification Sherloc (09022015). Collection method: clinical testing. Allele origin: germline.
Comment: In summary, the available evidence is currently insufficient to determine the role of this variant in disease. Therefore, it has been classified as a Variant of Uncertain Significance. Algorithms developed to predict the effect of missense changes on protein structure and function are either unavailable or do not agree on the potential impact of this missense change (SIFT: "Not Available"; PolyPhen-2: "Benign"; Align-GVGD: "Not Available"). This variant has not been reported in the literature in individuals affected with GINS1-related conditions. This variant is not present in population databases (gnomAD no frequency). This sequence change replaces valine, which is neutral and non-polar, with alanine, which is neutral and non-polar, at codon 161 of the GINS1 protein (p.Val161Ala).

NM_021067.5(GINS1):c.482T>C (p.Val161Ala)

Gene: GINS1 (GINS complex subunit 1; plus strand). Cytogenetic location: 20p11.21.
Variant type: single nucleotide variant.
Coding change: c.482T>C on transcript NM_021067.5 (MANE Select); coding-DNA position 482, T replaced by C.
Protein change: p.Val161Ala; replaces valine 161 with alanine.
Molecular consequence: missense variant. On other transcripts: non-coding transcript variant (1).
Genome position (GRCh38, 1-based): chr20:25,441,736, T>C. VCF-style: chr20-25441736-T-C. GRCh37 (hg19) VCF-style: chr20-25422372-T-C.
Other names: c.365T>C, p.Val122Ala (NM_001410830.1); c.227T>C, p.Val76Ala (NM_001410831.1); short protein forms V76A, V161A, V122A.
Identifiers: ClinVar variation 2133773 (VCV002133773.4), dbSNP rs543112005, ClinGen allele CA408450756.